The following is an entry in ClinVar:

NC_000023.10:g.(?_152853823)_(152853932_?)del

Gene: CCNQ (cyclin Q; minus strand). Cytogenetic location: Xq28.
Variant type: Deletion.
Identifiers: ClinVar variation 3246906 (VCV003246906.1).

ClinVar aggregate classification (germline): Pathogenic (1 of 4 stars; one submission).

Submission:

Labcorp Genetics (formerly Invitae), Labcorp
Classification: Pathogenic. Last evaluated: 2023-10-12. Review status: criteria provided, single submitter. Criteria: Invitae Variant Classification Sherloc (09022015). Collection method: clinical testing. Allele origin: unknown.
Comment: This variant is a gross deletion of the genomic region encompassing exon(s) 5 of the CCNQ gene, which includes the termination codon. This deletion extends beyond the assayed region for this gene and therefore may encompass additional genes. While this deletion is not anticipated to lead to nonsense mediated decay, it is expected to alter mRNA translation or result in a truncated protein product. A similar copy number variant has been observed in individual(s) with clinical features of STAR syndrome (PMID: 18297069, 20848651). In at least one individual the variant was observed to be de novo. For these reasons, this variant has been classified as Pathogenic.

Literature cited by the submitters: PubMed 18297069; PubMed 20848651.